The following is an entry in ClinVar:

NM_002439.5(MSH3):c.1676G>A (p.Ser559Asn)

Gene: MSH3 (mutS homolog 3; plus strand). Cytogenetic location: 5q14.1.
Variant type: single nucleotide variant.
Coding change: c.1676G>A on transcript NM_002439.5 (MANE Select); coding-DNA position 1676, G replaced by A.
Protein change: p.Ser559Asn; replaces serine 559 with asparagine.
Molecular consequence: missense variant.
Genome position (GRCh38, 1-based): chr5:80,744,528, G>A. VCF-style: chr5-80744528-G-A. GRCh37 (hg19) VCF-style: chr5-80040347-G-A.
Other names: short protein forms S559N.
Identifiers: ClinVar variation 1777799 (VCV001777799.2), dbSNP rs2546762041, ClinGen allele CA360274668.

ClinVar aggregate classification (germline): Uncertain significance (1 of 4 stars; one submission).

Conditions:
Hereditary cancer-predisposing syndrome. Also called: Neoplastic Syndromes, Hereditary; Tumor predisposition; Hereditary Cancer Syndrome; Hereditary neoplastic syndrome. Identifiers: Orphanet 140162, MedGen C0027672, MeSH D009386, MONDO:0015356.

Submission:

Ambry Genetics
Classification: Uncertain significance for Hereditary cancer-predisposing syndrome. Last evaluated: 2022-10-19. Review status: criteria provided, single submitter. Criteria: Ambry Variant Classification Scheme 2023. Collection method: clinical testing. Allele origin: germline.
Comment: The p.S559N variant (also known as c.1676G>A), located in coding exon 12 of the MSH3 gene, results from a G to A substitution at nucleotide position 1676. The serine at codon 559 is replaced by asparagine, an amino acid with highly similar properties. This amino acid position is conserved. In addition, this alteration is predicted to be deleterious by in silico analysis. Since supporting evidence is limited at this time, the clinical significance of this alteration remains unclear.